The following is an entry in ClinVar:

ClinVar aggregate classification (germline): Conflicting classifications of pathogenicity. Review status: criteria provided, conflicting classifications (1 of 4 stars). 4 submissions from 4 submitters: Uncertain significance (1); Benign (1); Likely benign (1). 1 of the submissions does not count toward it. Last evaluated 2025-10-29.

Conditions:
Hereditary cancer-predisposing syndrome. Also called: Hereditary Cancer Syndrome; Tumor predisposition; Hereditary neoplastic syndrome; Neoplastic Syndromes, Hereditary. Identifiers: Orphanet 140162, MedGen C0027672, MeSH D009386, MONDO:0015356.
MITF-related disorder. Also called: MITF-related condition.

Allele frequency attached by ClinVar (database versions not stated): 1000 Genomes Project 30x 0.00016; gnomAD 0.00056 and 0.00050; ESP Exome Variant Server 0.00042; 1000 Genomes Project 0.00020; TOPMed 0.00050.
gnomAD v4.1: 121 of 1,367,218 alleles (0.0089%); highest among the groups gnomAD compares: African/African-American, 0.17%; no homozygotes.

Submissions (4):

Dasa
Classification: Likely benign. Last evaluated: 2025-10-29. Review status: criteria provided, single submitter. Criteria: DASA Assertion Criteria. Collection method: clinical testing. Allele origin: germline.
Comment: NM_006722.3(MITF):c.86G>A (p.Cys29Tyr) is a missense variant that results in the substitution of cysteine with tyrosine. Population frequency is inconsistent with a disease-causing role for this variant. Computational prediction algorithms are consistent with a benign effect. Therefore, based on the currently available evidence, this variant is classified as likely benign.

Sema4
Classification: Uncertain significance for Hereditary cancer-predisposing syndrome. Last evaluated: 2021-04-15. Review status: criteria provided, single submitter. Criteria: Sema4 Curation Guidelines. Collection method: curation. Allele origin: germline.
Comment: The MITF c.86G>A (p.C29Y) variant has not been reported in the literature to our knowledge. It was observed in 34/20000 chromosomes of the African/African American subpopulation in the large and broad cohorts of the Genome Aggregation Database (PMID: 32461654). The variant has been reported in ClinVar (Variation ID 228854). In silico tools suggest the impact of the variant on protein function is benign, though these predictions have not been confirmed by functional studies. The evidence is insufficient to meet ACMG/AMP criteria for classifying the variant as benign or pathogenic. Thus, the clinical significance of this variant is currently uncertain.

Laboratory for Molecular Medicine, Mass General Brigham Personalized Medicine
Classification: Benign. Last evaluated: 2021-01-05. Review status: criteria provided, single submitter. Criteria: LMM Criteria. Collection method: clinical testing. Allele origin: germline. Observed: 2 variant alleles.
Comment: The p.Cys29Tyr/c.86G>A variant in MITF (NM_006722.2) is classified as benign because it has been identified in 0.17% (34/20,000) of African/African-American chromosomes by gnomAD. ACMG/AMP Criteria applied: BA1, BP4.

PreventionGenetics, part of Exact Sciences
Classification: Likely benign for MITF-related condition. Last evaluated: 2022-09-03. Review status: no assertion criteria provided. Collection method: clinical testing. Allele origin: germline. Not counted in ClinVar's aggregate classification.
Comment: This variant is classified as likely benign based on ACMG/AMP sequence variant interpretation guidelines (Richards et al. 2015 PMID: 25741868, with internal and published modifications).

NM_001354604.2(MITF):c.104+24226G>A

Gene: MITF (melanocyte inducing transcription factor; plus strand). Cytogenetic location: 3p13.
Variant type: single nucleotide variant.
Coding change: c.104+24226G>A on transcript NM_001354604.2 (MANE Select); 24226 bases into the intron after coding-DNA position 104, G replaced by A.
Molecular consequence: intron variant. On other transcripts: missense variant (1).
Genome position (GRCh38, 1-based): chr3:69,763,927, G>A. VCF-style: chr3-69763927-G-A. GRCh37 (hg19) VCF-style: chr3-69813078-G-A.
Other names: c.86G>A, p.Cys29Tyr (NM_006722.3); c.-77+24226G>A (NM_001354607.2); c.-92+24226G>A (NM_001354608.2); c.104+24226G>A (NM_198159.3, NM_001354605.2, NM_001354606.2); c.-53+235G>A (NM_001184967.2); short protein forms C29Y.
Identifiers: ClinVar variation 228854 (VCV000228854.10), dbSNP rs373660547, ClinGen allele CA2490189.